The following is an entry in ClinVar:

ClinVar aggregate classification (germline): Uncertain significance (1 of 4 stars; one submission).

Conditions:
Fanconi anemia complementation group O. Also called: RAD51C-Related Fanconi Anemia. Identifiers: Orphanet 84, MedGen C3150653, MONDO:0013248, OMIM 613390.

Submission:

Labcorp Genetics (formerly Invitae), Labcorp
Classification: Uncertain significance for Fanconi anemia, complementation group O. Last evaluated: 2019-10-13. Review status: criteria provided, single submitter. Criteria: Invitae Variant Classification Sherloc (09022015). Collection method: clinical testing. Allele origin: germline.
Comment: This sequence change replaces proline with histidine at codon 116 of the RAD51C protein (p.Pro116His). The proline residue is moderately conserved and there is a moderate physicochemical difference between proline and histidine. This variant is not present in population databases (ExAC no frequency). This variant has not been reported in the literature in individuals with RAD51C-related conditions. Algorithms developed to predict the effect of missense changes on protein structure and function (SIFT, PolyPhen-2, Align-GVGD) all suggest that this variant is likely to be tolerated, but these predictions have not been confirmed by published functional studies and their clinical significance is uncertain. In summary, the available evidence is currently insufficient to determine the role of this variant in disease. Therefore, it has been classified as a Variant of Uncertain Significance.

NM_058216.3(RAD51C):c.347C>A (p.Pro116His)

Gene: RAD51C (RAD51 paralog C; plus strand). Cytogenetic location: 17q22.
Variant type: single nucleotide variant.
Coding change: c.347C>A on transcript NM_058216.3 (MANE Select); coding-DNA position 347, C replaced by A.
Protein change: p.Pro116His; replaces proline 116 with histidine.
Molecular consequence: missense variant. On other transcripts: non-coding transcript variant (2).
Genome position (GRCh38, 1-based): chr17:58,695,132, C>A. VCF-style: chr17-58695132-C-A. GRCh37 (hg19) VCF-style: chr17-56772493-C-A.
Other names: c.347C>A, p.Pro116His (NM_002876.4); short protein forms P116H.
Identifiers: ClinVar variation 971016 (VCV000971016.1), dbSNP rs2047955710, ClinGen allele CA400341490.